The following is an entry in ClinVar:

NM_014391.3(ANKRD1):c.*41T>G

Gene: ANKRD1 (ankyrin repeat domain 1; minus strand). Cytogenetic location: 10q23.31.
Variant type: single nucleotide variant.
Coding change: c.*41T>G on transcript NM_014391.3 (MANE Select); 41 bases downstream of the stop codon, T replaced by G.
Molecular consequence: 3 prime UTR variant.
Genome position (GRCh38, 1-based): chr10:90,912,825, A>C on the plus strand (T>G on the coding strand, the complement: ANKRD1 is on the minus strand). VCF-style: chr10-90912825-A-C. GRCh37 (hg19) VCF-style: chr10-92672582-A-C.
Identifiers: ClinVar variation 877285 (VCV000877285.5), dbSNP rs150520404, ClinGen allele CA5598552.
Genomic context (GRCh38, chr10:90,912,825, plus strand): 5'-TTGATAAATAGAAACTAGATTTTATGGCTAGTGTCTCTTCTCTTGGGCCATGCCTTCAAA[A>C]TGCCAGTGAACATTTACTGATTAAGAGTCTGTCGTTTGCCTCAGAATGTAGCTATGCGAG-3'

ClinVar aggregate classification (germline): Likely benign. Review status: criteria provided, multiple submitters, no conflicts (2 of 4 stars). 2 submissions from 2 submitters: Likely benign (2). Last evaluated 2018-01-13.

Conditions:
Primary dilated cardiomyopathy (DCM). Also called: Dilated Cardiomyopathy. Identifiers: Orphanet 217604, MedGen C0007193, MeSH D002311, MONDO:0005021, HP:0001644. Inheritance: Various modes of inheritance.

Allele frequency attached by ClinVar (database versions not stated): gnomAD exomes 0.00188; ExAC 0.00242; gnomAD 0.00731 and 0.00788; ESP Exome Variant Server 0.00830; TOPMed 0.00850; 1000 Genomes Project 0.00899; 1000 Genomes Project 30x 0.00968.

Submissions (2):

Illumina Laboratory Services, Illumina
Classification: Likely benign for Primary dilated cardiomyopathy. Last evaluated: 2018-01-13. Review status: criteria provided, single submitter. Criteria: ICSL Variant Classification Criteria 13 December 2019. Collection method: clinical testing. Allele origin: germline.
Comment: This variant was observed in the ICSL laboratory as part of a predisposition screen in an ostensibly healthy population. It had not been previously curated by ICSL or reported in the Human Gene Mutation Database (HGMD: prior to June 1st, 2018), and was therefore a candidate for classification through an automated scoring system. Utilizing variant allele frequency, disease prevalence and penetrance estimates, and inheritance mode, an automated score was calculated to assess if this variant is too frequent to cause the disease. Based on the score and internal cut-off values, a variant classified as likely benign is not then subjected to further curation. The score for this variant resulted in a classification of likely benign for this disease.

Breakthrough Genomics
Classification: Likely benign. Review status: criteria provided, single submitter. Criteria: ACMG Guidelines, 2015. Collection method: not provided. Allele origin: germline. Inheritance: Unknown mechanism. Affected: yes.